The following is an entry in ClinVar:

ClinVar aggregate classification (germline): Uncertain significance (1 of 4 stars; one submission).

Conditions:
Familial thoracic aortic aneurysm and aortic dissection (TAAD). Also called: Thoracic aortic aneurysms and dissections. Identifiers: Orphanet 91387, MedGen C4707243, MONDO:0019625.

gnomAD v4.1: 1 of 1,613,996 alleles (0.000062%); highest among the groups gnomAD compares: Non-Finnish European, 0.000085%; no homozygotes.

Submission:

All of Us Research Program, National Institutes of Health
Classification: Uncertain significance for Familial thoracic aortic aneurysm and aortic dissection. Last evaluated: 2024-08-06. Review status: criteria provided, single submitter. Criteria: ACMG Guidelines, 2015. Collection method: clinical testing. Allele origin: germline. Inheritance: Autosomal dominant inheritance. Observed: 1 variant allele, 1 heterozygote.
Comment: This study involves interpretation of variants in research participants for the purpose of population health screening. Participant phenotype was not available at the time of variant classification. Additional details can be found in publication PMID: 35346344, PMCID: PMC8962531

NM_002474.3(MYH11):c.2992T>G (p.Ser998Ala)

Gene: MYH11 (myosin heavy chain 11; minus strand). Cytogenetic location: 16p13.11.
Variant type: single nucleotide variant.
Coding change: c.2992T>G on transcript NM_002474.3 (MANE Select); coding-DNA position 2992, T replaced by G.
Protein change: p.Ser998Ala; replaces serine 998 with alanine.
Molecular consequence: missense variant.
Genome position (GRCh38, 1-based): chr16:15,740,056, A>C on the plus strand (T>G on the coding strand, the complement: MYH11 is on the minus strand). VCF-style: chr16-15740056-A-C. GRCh37 (hg19) VCF-style: chr16-15833913-A-C.
Other names: c.3013T>G, p.Ser1005Ala (NM_001040113.2, NM_001040114.2); c.2992T>G, p.Ser998Ala (NM_022844.3); short protein forms S1005A, S998A.
Identifiers: ClinVar variation 3387206 (VCV003387206.1).
Genomic context (GRCh38, chr16:15,740,056, plus strand): 5'-CCTCCCAAAGTGCTCGGATTATAGGCGTGAGCCACTGCACCCGGCCCCTACTCACTTTTG[A>C]TAGTTTATTGTTCTGATCATCCATGACCAGGATCTCATCCTCCAGTTTCTTGATCTTGGC-3'
Protein context (NP_002465.1, residues 988-1008): LVMDDQNNKL[Ser998Ala]KERKLLEERI